The following is an entry in ClinVar:

ClinVar aggregate classification (germline): Uncertain significance. Review status: criteria provided, multiple submitters, no conflicts (2 of 4 stars). 2 submissions from 2 submitters: Uncertain significance (2). Last evaluated 2025-07-14.

Allele frequency attached by ClinVar (database versions not stated): gnomAD 0.00007; TOPMed 0.00007; gnomAD exomes 0.00013; ExAC 0.00010; ESP Exome Variant Server 0.00025.
gnomAD v4.1: 196 of 1,545,344 alleles (0.013%); highest among the groups gnomAD compares: Non-Finnish European, 0.016%; no homozygotes.

Submissions (2):

Labcorp Genetics (formerly Invitae), Labcorp
Classification: Uncertain significance. Last evaluated: 2025-07-14. Review status: criteria provided, single submitter. Criteria: Invitae Variant Classification Sherloc (09022015). Collection method: clinical testing. Allele origin: germline.
Comment: This sequence change replaces arginine, which is basic and polar, with glutamine, which is neutral and polar, at codon 350 of the ADGRB2 protein (p.Arg350Gln). This variant is present in population databases (rs151176994, gnomAD 0.02%). This variant has not been reported in the literature in individuals affected with ADGRB2-related conditions. ClinVar contains an entry for this variant (Variation ID: 2256270). Experimental studies and prediction algorithms are not available or were not evaluated, and the functional significance of this variant is currently unknown. In summary, the available evidence is currently insufficient to determine the role of this variant in disease. Therefore, it has been classified as a Variant of Uncertain Significance.

Ambry Genetics
Classification: Uncertain significance. Last evaluated: 2024-11-27. Review status: criteria provided, single submitter. Criteria: Ambry Variant Classification Scheme 2023. Collection method: clinical testing. Allele origin: germline.

NM_001364857.2(ADGRB2):c.1049G>A (p.Arg350Gln)

Gene: ADGRB2 (adhesion G protein-coupled receptor B2; minus strand). Cytogenetic location: 1p35.2.
Variant type: single nucleotide variant.
Coding change: c.1049G>A on transcript NM_001364857.2 (MANE Select); coding-DNA position 1049, G replaced by A.
Protein change: p.Arg350Gln; replaces arginine 350 with glutamine.
Molecular consequence: missense variant.
Genome position (GRCh38, 1-based): chr1:31,744,231, C>T on the plus strand (G>A on the coding strand, the complement: ADGRB2 is on the minus strand). VCF-style: chr1-31744231-C-T. GRCh37 (hg19) VCF-style: chr1-32209832-C-T.
Other names: c.1049G>A, p.Arg350Gln (NM_001294335.2, NM_001294336.2, NM_001703.2); short protein forms R350Q.
Identifiers: ClinVar variation 2256270 (VCV002256270.6), dbSNP rs151176994, ClinGen allele CA736012.
Genomic context (GRCh38, chr1:31,744,231, plus strand): 5'-GTGGGGAGGAGGATGGGCCTACCTGGGCAGGTGGCTGAATTGTTGCAGGGCCTGGTCTCC[C>T]GCAGGGGCCCGCTGCACAGGGTCCCATAGGGGGAGGACACACAGGAGCGGGTCCGCACCT-3'
Protein context (NP_001351786.1, residues 340-360): PYGTLCSGPL[Arg350Gln]ETRPCNNSAT